The following is an entry in ClinVar:

NM_001130009.3(GEN1):c.590C>G (p.Ala197Gly)

Gene: GEN1 (GEN1 structure-specific endonuclease; plus strand). Cytogenetic location: 2p24.2.
Variant type: single nucleotide variant.
Coding change: c.590C>G on transcript NM_001130009.3 (MANE Select); coding-DNA position 590, C replaced by G.
Protein change: p.Ala197Gly; replaces alanine 197 with glycine.
Molecular consequence: missense variant.
Genome position (GRCh38, 1-based): chr2:17,766,643, C>G. VCF-style: chr2-17766643-C-G. GRCh37 (hg19) VCF-style: chr2-17947910-C-G.
Other names: c.590C>G, p.Ala197Gly (NM_182625.5); short protein forms A197G.
Identifiers: ClinVar variation 4826297 (VCV004826297.1).

ClinVar aggregate classification (germline): Uncertain significance (1 of 4 stars; one submission).

gnomAD v4.1: 1 of 1,609,184 alleles (0.000062%); highest among the groups gnomAD compares: Non-Finnish European, 0.000085%; no homozygotes.

Submission:

Ambry Genetics
Classification: Uncertain significance. Last evaluated: 2026-03-02. Review status: criteria provided, single submitter. Criteria: Ambry Variant Classification Scheme 2023. Collection method: clinical testing. Allele origin: germline.
Comment: The p.A197G variant (also known as c.590C>G), located in coding exon 4 of the GEN1 gene, results from a C to G substitution at nucleotide position 590. The alanine at codon 197 is replaced by glycine, an amino acid with similar properties. This amino acid position is conserved. In addition, this alteration is predicted to be tolerated by in silico analysis. Based on the available evidence, the clinical significance of this variant remains unclear.